The following is an entry in ClinVar:

NM_022369.4(STRA6):c.534G>A (p.Thr178=)

Gene: STRA6 (signaling receptor and transporter of retinol STRA6; minus strand). Cytogenetic location: 15q24.1.
Variant type: single nucleotide variant.
Coding change: c.534G>A on transcript NM_022369.4 (MANE Select); coding-DNA position 534, G replaced by A.
Protein change: p.Thr178=; no amino-acid change (threonine 178 retained).
Molecular consequence: synonymous variant. On other transcripts: 3 prime UTR variant (1).
Genome position (GRCh38, 1-based): chr15:74,195,365, C>T on the plus strand (G>A on the coding strand, the complement: STRA6 is on the minus strand). VCF-style: chr15-74195365-C-T. GRCh37 (hg19) VCF-style: chr15-74487706-C-T.
Other names: c.534G>A, p.Thr178= (NM_001142617.2, NM_001142618.2); c.507G>A, p.Thr169= (NM_001142619.2); c.*237G>A (NM_001142620.2); c.645G>A, p.Thr215= (NM_001199040.2); c.579G>A, p.Thr193= (NM_001199041.2); c.651G>A, p.Thr217= (NM_001199042.2).
Identifiers: ClinVar variation 2645535 (VCV002645535.24), dbSNP rs750541110, ClinGen allele CA7654953.

ClinVar aggregate classification (germline): Likely benign (1 of 4 stars; one submission).

Allele frequency attached by ClinVar (database versions not stated): gnomAD 0.00001; gnomAD exomes 0.00001; ExAC 0.00002.
gnomAD v4.1: 17 of 1,613,378 alleles (0.0011%); highest among the groups gnomAD compares: East Asian, 0.0045%; no homozygotes.

Submission:

CeGaT Center for Human Genetics Tuebingen
Classification: Likely benign. Last evaluated: 2023-01-01. Review status: criteria provided, single submitter. Criteria: CeGaT Center For Human Genetics Tuebingen Variant Classification Criteria Version 2. Collection method: clinical testing. Allele origin: germline. Affected: yes. Observed: 1 variant allele.
Comment: STRA6: BP4, BP7